The following is an entry in ClinVar:

NM_203447.4(DOCK8):c.6098G>A (p.Arg2033His)

Gene: DOCK8 (dedicator of cytokinesis 8; plus strand). Cytogenetic location: 9p24.3.
Variant type: single nucleotide variant.
Coding change: c.6098G>A on transcript NM_203447.4 (MANE Select); coding-DNA position 6098, G replaced by A.
Protein change: p.Arg2033His; replaces arginine 2033 with histidine.
Molecular consequence: missense variant.
Genome position (GRCh38, 1-based): chr9:463,546, G>A. VCF-style: chr9-463546-G-A. GRCh37 (hg19) VCF-style: chr9-463546-G-A.
Other names: c.5798G>A, p.Arg1933His (NM_001190458.2); c.5894G>A, p.Arg1965His (NM_001193536.2); short protein forms R1965H, R1933H, R2033H.
Identifiers: ClinVar variation 845194 (VCV000845194.8), dbSNP rs558033558, ClinGen allele CA4959683.

ClinVar aggregate classification (germline): Uncertain significance (1 of 4 stars; one submission).

Conditions:
Hyper-IgE recurrent infection syndrome 3, autosomal recessive. Also called: Autosomal recessive hyper-IgE syndrome due to ZNF341 deficiency; HYPER-IgE SYNDROME 3, AUTOSOMAL RECESSIVE, WITH RECURRENT INFECTIONS. Identifiers: Orphanet 641368, MedGen C4748969, MONDO:0032654, OMIM 618282.

Allele frequency attached by ClinVar (database versions not stated): ExAC 0.00004; 1000 Genomes Project 0.00020; 1000 Genomes Project 30x 0.00031; gnomAD 0.00001; TOPMed 0.00001; gnomAD exomes 0.00002.
gnomAD v4.1: 42 of 1,614,124 alleles (0.0026%); highest among the groups gnomAD compares: African/African-American, 0.004%; no homozygotes.

Submission:

Labcorp Genetics (formerly Invitae), Labcorp
Classification: Uncertain significance for Combined immunodeficiency due to DOCK8 deficiency. Last evaluated: 2022-08-23. Review status: criteria provided, single submitter. Criteria: Invitae Variant Classification Sherloc (09022015). Collection method: clinical testing. Allele origin: germline.
Comment: This variant is present in population databases (rs558033558, gnomAD 0.007%). This variant has not been reported in the literature in individuals affected with DOCK8-related conditions. ClinVar contains an entry for this variant (Variation ID: 845194). Algorithms developed to predict the effect of missense changes on protein structure and function output the following: SIFT: "Tolerated"; PolyPhen-2: "Benign"; Align-GVGD: "Class C0". The histidine amino acid residue is found in multiple mammalian species, which suggests that this missense change does not adversely affect protein function. In summary, the available evidence is currently insufficient to determine the role of this variant in disease. Therefore, it has been classified as a Variant of Uncertain Significance. This sequence change replaces arginine, which is basic and polar, with histidine, which is basic and polar, at codon 2033 of the DOCK8 protein (p.Arg2033His).